The following is an entry in ClinVar:

ClinVar aggregate classification (germline): Likely benign (1 of 4 stars; one submission).

Submission:

GeneDx
Classification: Likely benign. Last evaluated: 2016-10-28. Review status: criteria provided, single submitter. Criteria: GeneDx Variant Classification (06012015). Collection method: clinical testing. Allele origin: germline. Affected: yes.
Comment: This variant is considered likely benign or benign based on one or more of the following criteria: it is a conservative change, it occurs at a poorly conserved position in the protein, it is predicted to be benign by multiple in silico algorithms, and/or has population frequency not consistent with disease.

NM_001083603.3(PTCH1):c.157G>T (p.Glu53Ter)

Gene: PTCH1 (patched 1; minus strand). Cytogenetic location: 9q22.32.
Variant type: single nucleotide variant.
Coding change: c.157G>T on transcript NM_001083603.3 (MANE Plus Clinical); coding-DNA position 157, G replaced by T.
Protein change: p.Glu53Ter; replaces glutamic acid 53 with a stop codon.
Molecular consequence: nonsense. On other transcripts: 5 prime UTR variant (2).
Genome position (GRCh38, 1-based): chr9:95,516,664, C>A on the plus strand (G>T on the coding strand, the complement: PTCH1 is on the minus strand). VCF-style: chr9-95516664-C-A. GRCh37 (hg19) VCF-style: chr9-98278946-C-A.
Other names: c.-193G>T (NM_001083602.3, NM_001354919.2); short protein forms E53*.
Identifiers: ClinVar variation 390586 (VCV000390586.3), dbSNP rs185570125, ClinGen allele CA16606607.